The following is an entry in ClinVar:

NM_022124.6(CDH23):c.7802T>C (p.Val2601Ala)

Gene: CDH23 (cadherin related 23; plus strand). Cytogenetic location: 10q22.1.
Variant type: single nucleotide variant.
Coding change: c.7802T>C on transcript NM_022124.6 (MANE Select); coding-DNA position 7802, T replaced by C.
Protein change: p.Val2601Ala; replaces valine 2601 with alanine.
Molecular consequence: missense variant.
Genome position (GRCh38, 1-based): chr10:71,803,350, T>C. VCF-style: chr10-71803350-T-C. GRCh37 (hg19) VCF-style: chr10-73563107-T-C.
Other names: c.1082T>C, p.Val361Ala (NM_001171933.1, NM_001171934.1); short protein forms V2601A, V361A.
Identifiers: ClinVar variation 4689439 (VCV004689439.1).

ClinVar aggregate classification (germline): Uncertain significance (1 of 4 stars; one submission).

Submission:

Women's Health and Genetics/Laboratory Corporation of America, LabCorp
Classification: Uncertain significance. Last evaluated: 2026-01-13. Review status: criteria provided, single submitter. Criteria: LabCorp Variant Classification Summary - May 2015. Collection method: clinical testing. Allele origin: germline.
Comment: Variant summary: CDH23 c.7802T>C (p.Val2601Ala) results in a non-conservative amino acid change in the encoded protein sequence. Algorithms developed to predict the effect of missense changes on protein structure and function all suggest that this variant is likely to be disruptive. The frequency data for this variant in gnomAD is considered unreliable, as metrics indicate poor data quality at this position. c.7802T>C has been observed in the presumed compound heterozygous state in at least 1 individual(s) affected with nonsyndromic deafness (example, Mutai_2022). These data do not allow any conclusion about variant significance. To our knowledge, no experimental evidence demonstrating an impact on protein function has been reported. The following publication has been ascertained in the context of this evaluation (PMID: 35248088). No submitters have cited clinical-significance assessments for this variant to ClinVar. Based on the evidence outlined above, the variant was classified as uncertain significance.

Literature cited by the submitters: PubMed 35248088.